The following is an entry in ClinVar:

ClinVar aggregate classification (germline): Benign. Review status: criteria provided, multiple submitters, no conflicts (2 of 4 stars). 5 submissions from 5 submitters: Benign (5). Last evaluated 2026-02-01.

Conditions:
Stromme syndrome (STROMS). Also called: Strømme Syndrome; APPLE PEEL SYNDROME WITH MICROCEPHALY AND OCULAR ANOMALIES; Ciliary dyskinesia, primary, 31. Identifiers: Orphanet 444069, Orphanet 506307, MedGen C1855705, MONDO:0009477, OMIM 243605.

Allele frequency attached by ClinVar (database versions not stated): ESP Exome Variant Server 0.50392; TOPMed 0.53974; 1000 Genomes Project 30x 0.62024; 1000 Genomes Project 0.63099.
gnomAD v4.1: 910,125 of 1,613,312 alleles (56%); highest among the groups gnomAD compares: East Asian, 88%; 262,824 homozygotes.

Submissions (5):

Labcorp Genetics (formerly Invitae), Labcorp
Classification: Benign. Last evaluated: 2026-02-01. Review status: criteria provided, single submitter. Criteria: Invitae Variant Classification Sherloc (09022015). Collection method: clinical testing. Allele origin: germline.

Blueprint Genetics
Classification: Benign. Last evaluated: 2024-11-26. Review status: criteria provided, single submitter. Criteria: ACMG Guidelines, 2015. Collection method: clinical testing. Allele origin: germline.

Genome-Nilou Lab
Classification: Benign for Stromme syndrome. Last evaluated: 2021-07-22. Review status: criteria provided, single submitter. Criteria: ACMG Guidelines, 2015. Collection method: clinical testing. Allele origin: germline. Affected: no.

GeneDx
Classification: Benign. Last evaluated: 2018-07-20. Review status: criteria provided, single submitter. Criteria: GeneDx Variant Classification Process June 2021. Collection method: clinical testing. Allele origin: germline. Affected: yes.
Comment: This variant is associated with the following publications: (PMID: 29765066)

Breakthrough Genomics
Classification: Benign. Review status: criteria provided, single submitter. Criteria: ACMG Guidelines, 2015. Collection method: not provided. Allele origin: germline. Inheritance: Autosomal recessive inheritance. Affected: yes.

NM_016343.4(CENPF):c.9318C>G (p.Asn3106Lys)

Gene: CENPF (centromere protein F; plus strand). Cytogenetic location: 1q41.
Variant type: single nucleotide variant.
Coding change: c.9318C>G on transcript NM_016343.4 (MANE Select); coding-DNA position 9318, C replaced by G.
Protein change: p.Asn3106Lys; replaces asparagine 3106 with lysine.
Molecular consequence: missense variant.
Genome position (GRCh38, 1-based): chr1:214,663,767, C>G. VCF-style: chr1-214663767-C-G. GRCh37 (hg19) VCF-style: chr1-214837110-C-G.
Other names: c.9318C>G (NM_016343.3); short protein forms N3106K.
Identifiers: ClinVar variation 1209719 (VCV001209719.14), dbSNP rs7289, ClinGen allele CA1391619.